The following is an entry in ClinVar:

ClinVar aggregate classification (germline): Uncertain significance (1 of 4 stars; one submission).

Conditions:
Autoimmune lymphoproliferative syndrome, type III caused by mutation in PRKCD. Identifiers: Orphanet 3261, Orphanet 664711, MedGen C3809928, MONDO:8000024, OMIM 615559.

gnomAD v4.1: 2 of 1,613,984 alleles (0.00012%); highest among the groups gnomAD compares: Non-Finnish European, 0.00017%; no homozygotes.

Submission:

Labcorp Genetics (formerly Invitae), Labcorp
Classification: Uncertain significance for Autoimmune lymphoproliferative syndrome, type III caused by mutation in PRKCD. Last evaluated: 2024-10-25. Review status: criteria provided, single submitter. Criteria: Invitae Variant Classification Sherloc (09022015). Collection method: clinical testing. Allele origin: germline.
Comment: This sequence change replaces valine, which is neutral and non-polar, with leucine, which is neutral and non-polar, at codon 114 of the PRKCD protein (p.Val114Leu). This variant is not present in population databases (gnomAD no frequency). This variant has not been reported in the literature in individuals affected with PRKCD-related conditions. ClinVar contains an entry for this variant (Variation ID: 1420228). An algorithm developed to predict the effect of missense changes on protein structure and function (PolyPhen-2) suggests that this variant is likely to be tolerated. In summary, the available evidence is currently insufficient to determine the role of this variant in disease. Therefore, it has been classified as a Variant of Uncertain Significance.

NM_006254.4(PRKCD):c.340G>C (p.Val114Leu)

Genes: PRKCD (protein kinase C delta; plus strand), LOC129936895 (ATAC-STARR-seq lymphoblastoid active region 19963; plus strand). Cytogenetic location: 3p21.1.
Variant type: single nucleotide variant.
Coding change: c.340G>C on transcript NM_006254.4 (MANE Select); coding-DNA position 340, G replaced by C.
Protein change: p.Val114Leu; replaces valine 114 with leucine.
Molecular consequence: missense variant.
Genome position (GRCh38, 1-based): chr3:53,181,231, G>C. VCF-style: chr3-53181231-G-C. GRCh37 (hg19) VCF-style: chr3-53215247-G-C.
Other names: c.340G>C, p.Val114Leu (NM_001316327.2, NM_001354679.2, NM_001354680.2 and 1 more transcripts); c.397G>C, p.Val133Leu (NM_001354676.2); c.388G>C, p.Val130Leu (NM_001354678.2); short protein forms V130L, V133L, V114L.
Identifiers: ClinVar variation 1420228 (VCV001420228.8), dbSNP rs2107261818, ClinGen allele CA353233774.